The following is an entry in ClinVar:

NM_002968.3(SALL1):c.38A>C (p.Gln13Pro)

Gene: SALL1 (spalt like transcription factor 1; minus strand). Cytogenetic location: 16q12.1.
Variant type: single nucleotide variant.
Coding change: c.38A>C on transcript NM_002968.3 (MANE Select); coding-DNA position 38, A replaced by C.
Protein change: p.Gln13Pro; replaces glutamine 13 with proline.
Molecular consequence: missense variant.
Genome position (GRCh38, 1-based): chr16:51,151,204, T>G on the plus strand (A>C on the coding strand, the complement: SALL1 is on the minus strand). VCF-style: chr16-51151204-T-G. GRCh37 (hg19) VCF-style: chr16-51185115-T-G.
Other names: short protein forms Q13P.
Identifiers: ClinVar variation 2499288 (VCV002499288.1), dbSNP rs774966655, ClinGen allele CA8053598.

ClinVar aggregate classification (germline): Uncertain significance (1 of 4 stars; one submission).

Allele frequency attached by ClinVar (database versions not stated): ExAC 0.00001.
gnomAD v4.1: 1 of 1,602,612 alleles (0.000062%); highest among the groups gnomAD compares: Admixed American, 0.0017%; no homozygotes.

Submission:

GeneDx
Classification: Uncertain significance. Last evaluated: 2022-10-11. Review status: criteria provided, single submitter. Criteria: GeneDx Variant Classification Process June 2021. Collection method: clinical testing. Allele origin: germline. Affected: yes.
Comment: In silico analysis supports that this missense variant has a deleterious effect on protein structure/function; Has not been previously published as pathogenic or benign to our knowledge